The following is an entry in ClinVar:

ClinVar aggregate classification (germline): Benign (1 of 4 stars; one submission).

Allele frequency attached by ClinVar (database versions not stated): gnomAD 0.03343 and 0.03569; 1000 Genomes Project 0.03614; 1000 Genomes Project 30x 0.03748; TOPMed 0.03783.
gnomAD v4.1: 5,025 of 152,134 alleles (3.3%); highest among the groups gnomAD compares: African/African-American, 11%; 321 homozygotes.

Submission:

GeneDx
Classification: Benign. Last evaluated: 2018-06-15. Review status: criteria provided, single submitter. Criteria: GeneDx Variant Classification (06012015). Collection method: clinical testing. Allele origin: germline. Affected: yes.
Comment: This variant is considered likely benign or benign based on one or more of the following criteria: it is a conservative change, it occurs at a poorly conserved position in the protein, it is predicted to be benign by multiple in silico algorithms, and/or has population frequency not consistent with disease.

NM_032043.3(BRIP1):c.2379+230C>G

Gene: BRIP1 (BRCA1 interacting DNA helicase 1; minus strand). Cytogenetic location: 17q23.2.
Variant type: single nucleotide variant.
Coding change: c.2379+230C>G on transcript NM_032043.3 (MANE Select); 230 bases into the intron after coding-DNA position 2379, C replaced by G.
Molecular consequence: intron variant.
Genome position (GRCh38, 1-based): chr17:61,742,783, G>C on the plus strand (C>G on the coding strand, the complement: BRIP1 is on the minus strand). VCF-style: chr17-61742783-G-C. GRCh37 (hg19) VCF-style: chr17-59820144-G-C.
Identifiers: ClinVar variation 679672 (VCV000679672.1), dbSNP rs76111733, ClinGen allele CA292268844.